The following is an entry in ClinVar:

NM_025081.3(NYNRIN):c.2846+5T>C

Gene: NYNRIN (NYN domain and retroviral integrase containing; plus strand). Cytogenetic location: 14q12.
Variant type: single nucleotide variant.
Coding change: c.2846+5T>C on transcript NM_025081.3 (MANE Select); 5 bases into the intron after coding-DNA position 2846, T replaced by C.
Molecular consequence: intron variant.
Genome position (GRCh38, 1-based): chr14:24,413,422, T>C. VCF-style: chr14-24413422-T-C. GRCh37 (hg19) VCF-style: chr14-24882628-T-C.
Identifiers: ClinVar variation 3713704 (VCV003713704.3).

ClinVar aggregate classification (germline): Uncertain significance. Review status: criteria provided, multiple submitters, no conflicts (2 of 4 stars). 2 submissions from 2 submitters: Uncertain significance (2). Last evaluated 2026-10-01.

Conditions:
Predisposition to Wilms tumor.

gnomAD v4.1: 25 of 1,602,312 alleles (0.0016%); highest among the groups gnomAD compares: African/African-American, 0.032%; no homozygotes.

Submissions (2):

St. Jude Molecular Pathology, St. Jude Children's Research Hospital
Classification: Uncertain significance for Predisposition to Wilms tumor. Last evaluated: 2026-10-01. Review status: criteria provided, single submitter. Criteria: St. Jude Assertion Criteria 2020. Collection method: clinical testing. Allele origin: germline.
Comment: The NYNRIN c.2846+5T>C intronic change results in a T to C substitution at the +5 position of intron 8 of the NYNRIN gene. Algorithms that predict the impact of sequence changes on splicing indicate that this change may impact splicing. This variant has a maximum subpopulation frequen cy of 0.04% in gnomAD v2.1.1. To our knowledge, this variant has not been reported in the literature in individuals with Wilms tumor. In summary, the evidence currently available is insufficient to determine the clinic al significance of this variant. It has therefore been classified as of uncertain significance.

Labcorp Genetics (formerly Invitae), Labcorp
Classification: Uncertain significance. Last evaluated: 2024-08-01. Review status: criteria provided, single submitter. Criteria: Invitae Variant Classification Sherloc (09022015). Collection method: clinical testing. Allele origin: germline.
Comment: This sequence change falls in intron 8 of the NYNRIN gene. It does not directly change the encoded amino acid sequence of the NYNRIN protein. It affects a nucleotide within the consensus splice site. This variant is present in population databases (rs376775804, gnomAD 0.04%). This variant has not been reported in the literature in individuals affected with NYNRIN-related conditions. Variants that disrupt the consensus splice site are a relatively common cause of aberrant splicing (PMID: 17576681, 9536098). In summary, the available evidence is currently insufficient to determine the role of this variant in disease. Therefore, it has been classified as a Variant of Uncertain Significance.

Literature cited by the submitters: PubMed 17576681 (cited by Labcorp Genetics (formerly Invitae), Labcorp); PubMed 9536098 (cited by Labcorp Genetics (formerly Invitae), Labcorp).